The following is an entry in ClinVar:

ClinVar aggregate classification (germline): Pathogenic. Review status: reviewed by expert panel (3 of 4 stars). 6 submissions from 6 submitters: Pathogenic (1). 5 of the submissions do not count toward it. Last evaluated 2016-10-18.

Conditions:
Hereditary cancer-predisposing syndrome. Also called: Hereditary Cancer Syndrome; Neoplastic Syndromes, Hereditary; Hereditary neoplastic syndrome; Tumor predisposition. Identifiers: Orphanet 140162, MedGen C0027672, MeSH D009386, MONDO:0015356.
Hereditary breast ovarian cancer syndrome. Also called: Hereditary breast and ovarian cancer syndrome (HBOC); Breast and ovarian cancer; Hereditary breast and ovarian cancer syndrome; Hereditary breast and ovarian cancer; BRCA1- and BRCA2-Associated Hereditary Breast and Ovarian Cancer; Hereditary breast and/or ovarian cancer syndrome. Identifiers: Orphanet 145, MedGen C0677776, MeSH D061325, MONDO:0003582. Disease mechanism: loss of function.
Breast-ovarian cancer, familial, susceptibility to, 1 (BROVCA1). Also called: BRCA1 Hereditary Breast and Ovarian Cancer; OVARIAN CANCER, SUSCEPTIBILITY TO. Identifiers: Orphanet 145, MedGen C2676676, MONDO:0011450, OMIM 604370. Disease mechanism: loss of function.

Submissions (6):

Evidence-based Network for the Interpretation of Germline Mutant Alleles (ENIGMA)
Classification: Pathogenic for Breast-ovarian cancer, familial, susceptibility to, 1. Last evaluated: 2016-10-18. Review status: reviewed by expert panel. Criteria: ENIGMA BRCA1/2 Classification Criteria (2015). Collection method: curation. Allele origin: germline.
Comment: Variant allele predicted to encode a truncated non-functional protein.

Baylor Genetics
Classification: Pathogenic for Breast-ovarian cancer, familial, susceptibility to, 1. Last evaluated: 2023-07-21. Review status: criteria provided, single submitter. Criteria: ACMG Guidelines, 2015. Collection method: clinical testing. Allele origin: unknown. Not counted in ClinVar's aggregate classification.

Labcorp Genetics (formerly Invitae), Labcorp
Classification: Pathogenic for Hereditary breast ovarian cancer syndrome. Last evaluated: 2023-07-17. Review status: criteria provided, single submitter. Criteria: Invitae Variant Classification Sherloc (09022015). Collection method: clinical testing. Allele origin: germline. Not counted in ClinVar's aggregate classification.
Comment: For these reasons, this variant has been classified as Pathogenic. ClinVar contains an entry for this variant (Variation ID: 266293). This variant has not been reported in the literature in individuals affected with BRCA1-related conditions. This variant is not present in population databases (gnomAD no frequency). This sequence change creates a premature translational stop signal (p.Ser896Lysfs*102) in the BRCA1 gene. It is expected to result in an absent or disrupted protein product. Loss-of-function variants in BRCA1 are known to be pathogenic (PMID: 20104584).

Institute for Clinical Genetics, University Hospital TU Dresden, University Hospital TU Dresden
Classification: Pathogenic. Last evaluated: 2021-11-03. Review status: criteria provided, single submitter. Criteria: ACMG Guidelines, 2015. Collection method: clinical testing. Allele origin: germline. Not counted in ClinVar's aggregate classification.

Color Diagnostics, LLC DBA Color Health
Classification: Pathogenic for Hereditary cancer-predisposing syndrome. Last evaluated: 2020-12-29. Review status: criteria provided, single submitter. Criteria: ACMG Guidelines, 2015. Collection method: clinical testing. Allele origin: germline. Not counted in ClinVar's aggregate classification.
Comment: This variant deletes 7 nucleotides in exon 10 of the BRCA1 gene, creating a frameshift and premature translation stop signal. This variant is expected to result in an absent or non-functional protein product. This variant has been reported in 3 suspected hereditary breast and ovarian cancer families (PMID: 29446198). This variant has not been identified in the general population by the Genome Aggregation Database (gnomAD). Loss of BRCA1 function is a known mechanism of disease. Based on the available evidence, this variant is classified as Pathogenic.

Consortium of Investigators of Modifiers of BRCA1/2 (CIMBA), c/o University of Cambridge
Classification: Pathogenic for Breast-ovarian cancer, familial, susceptibility to, 1. Last evaluated: 2015-10-02. Review status: criteria provided, single submitter. Criteria: CIMBA Mutation Classification guidelines May 2016. Collection method: clinical testing. Allele origin: germline. Not counted in ClinVar's aggregate classification.

Literature cited by the submitters: PubMed 20104584 (cited by Labcorp Genetics (formerly Invitae), Labcorp).

NM_007294.4(BRCA1):c.2687_2693del (p.Ser896fs)

Gene: BRCA1 (BRCA1 DNA repair associated; minus strand). Cytogenetic location: 17q21.31.
Variant type: Deletion.
Coding change: c.2687_2693del on transcript NM_007294.4 (MANE Select); coding-DNA positions 2687 to 2693, 7 bases deleted (GTCCAAA; older notation c.2687_2693delGTCCAAA).
Protein change: p.Ser896fs; shifts the reading frame from serine 896.
Molecular consequence: frameshift variant. On other transcripts: intron variant (137).
Genome position (GRCh38, 1-based): chr17:43,092,838-43,092,844, TTTGGAC deleted on the plus strand (GTCCAAA on the coding strand, the reverse complement: BRCA1 is on the minus strand); deleting any 7 consecutive bases within chr17:43,092,838-43,092,848 gives the same sequence; the c. name uses the placement nearest the transcript's 3' end. VCF-style (leftmost placement, unchanged base first): chr17-43092837-TTTTGGAC-T. GRCh37 (hg19) VCF-style: chr17-41244854-TTTTGGAC-T.
Other names: 2806_2812del7bp; c.2687_2693delGTCCAAA (NM_007294.3); c.2687_2693del, p.Ser896fs (NM_001407597.1, NM_001407598.1, NM_001407602.1 and 30 more transcripts); c.2684_2690del, p.Ser895fs (NM_001407610.1, NM_001407611.1, NM_001407612.1 and 22 more transcripts); c.2678_2684del, p.Ser893fs (NM_001407646.1, NM_001407647.1); c.2564_2570del, p.Ser855fs (NM_001407648.1, NM_001407664.1, NM_001407665.1 and 19 more transcripts); c.2561_2567del, p.Ser854fs (NM_001407649.1, NM_001407670.1, NM_001407671.1 and 11 more transcripts); c.2609_2615del, p.Ser870fs (NM_001407653.1, NM_001407654.1, NM_001407655.1 and 4 more transcripts); and 43 more; short protein forms S849fs, S896fs, S807fs, S808fs, S825fs, S826fs, S848fs, S829fs.
Identifiers: ClinVar variation 266293 (VCV000266293.15), dbSNP rs886040062, ClinGen allele CA10589823.